The following is an entry in ClinVar:

ClinVar aggregate classification (germline): Likely benign. Review status: criteria provided, single submitter (1 of 4 stars). 2 submissions from 2 submitters: Likely benign (1). 1 of the submissions does not count toward it. Last evaluated 2025-07-27.

Conditions:
SCN4A-related disorder. Also called: SCN4A-related disorders.
Hyperkalemic periodic paralysis. Also called: Familial hyperkalemic periodic paralysis; Gamstorp disease. Identifiers: Orphanet 682, MedGen C0238357, MONDO:0008224, OMIM 170500, HP:0007215.

Allele frequency attached by ClinVar (database versions not stated): ExAC 0.00002; gnomAD 0.00005; TOPMed 0.00007; ESP Exome Variant Server 0.00008; 1000 Genomes Project 30x 0.00016; 1000 Genomes Project 0.00020.
gnomAD v4.1: 25 of 1,610,538 alleles (0.0016%); highest among the groups gnomAD compares: African/African-American, 0.021%; no homozygotes.

Submissions (2):

Labcorp Genetics (formerly Invitae), Labcorp
Classification: Likely benign for Hyperkalemic periodic paralysis. Last evaluated: 2025-07-27. Review status: criteria provided, single submitter. Criteria: Invitae Variant Classification Sherloc (09022015). Collection method: clinical testing. Allele origin: germline.

PreventionGenetics, part of Exact Sciences
Classification: Likely benign for SCN4A-related condition. Last evaluated: 2021-10-05. Review status: no assertion criteria provided. Collection method: clinical testing. Allele origin: germline. Not counted in ClinVar's aggregate classification.
Comment: This variant is classified as likely benign based on ACMG/AMP sequence variant interpretation guidelines (Richards et al. 2015 PMID: 25741868, with internal and published modifications).

NM_000334.4(SCN4A):c.753G>A (p.Ser251=)

Gene: SCN4A (sodium voltage-gated channel alpha subunit 4; minus strand). Cytogenetic location: 17q23.3.
Variant type: single nucleotide variant.
Coding change: c.753G>A on transcript NM_000334.4 (MANE Select); coding-DNA position 753, G replaced by A.
Protein change: p.Ser251=; no amino-acid change (serine 251 retained).
Molecular consequence: synonymous variant.
Genome position (GRCh38, 1-based): chr17:63,968,306, C>T on the plus strand (G>A on the coding strand, the complement: SCN4A is on the minus strand). VCF-style: chr17-63968306-C-T. GRCh37 (hg19) VCF-style: chr17-62045666-C-T.
Identifiers: ClinVar variation 2105705 (VCV002105705.6), dbSNP rs116802937, ClinGen allele CA8710046.